The following is an entry in ClinVar:

NM_194277.3(FRMD7):c.1558C>G (p.His520Asp)

Gene: FRMD7 (FERM domain containing 7; minus strand). Cytogenetic location: Xq26.2.
Variant type: single nucleotide variant.
Coding change: c.1558C>G on transcript NM_194277.3 (MANE Select); coding-DNA position 1558, C replaced by G.
Protein change: p.His520Asp; replaces histidine 520 with aspartic acid.
Molecular consequence: missense variant.
Genome position (GRCh38, 1-based): chrX:132,078,459, G>C on the plus strand (C>G on the coding strand, the complement: FRMD7 is on the minus strand). VCF-style: chrX-132078459-G-C. GRCh37 (hg19) VCF-style: chrX-131212487-G-C.
Other names: c.1513C>G, p.His505Asp (NM_001306193.2); short protein forms H520D, H505D.
Identifiers: ClinVar variation 714968 (VCV000714968.16), dbSNP rs61742429, ClinGen allele CA10518844.

ClinVar aggregate classification (germline): Benign/Likely benign. Review status: criteria provided, multiple submitters, no conflicts (2 of 4 stars). 4 submissions from 4 submitters: Benign (3); Likely benign (1). Last evaluated 2026-02-01.

Conditions:
Nystagmus 1, congenital, X-linked. Also called: FRMD7-Related Infantile Nystagmus; NYSTAGMUS, INFANTILE PERIODIC ALTERNATING, X-LINKED; NYSTAGMUS 1, INFANTILE, X-LINKED; NYSTAGMUS, CONGENITAL MOTOR, 1; NYSTAGMUS, INFANTILE IDIOPATHIC. Identifiers: MedGen C1839580, MONDO:0010693, OMIM 310700.

Allele frequency attached by ClinVar (database versions not stated): gnomAD exomes 0.00058 and 0.00202; ExAC 0.00261; gnomAD 0.00607 and 0.00645; ESP Exome Variant Server 0.00710; TOPMed 0.00727; 1000 Genomes Project 0.00927; 1000 Genomes Project 30x 0.01041.
gnomAD v4.1: 1,359 of 1,209,251 alleles (0.11%); highest among the groups gnomAD compares: African/African-American, 2%; 8 homozygotes.

Submissions (4):

Labcorp Genetics (formerly Invitae), Labcorp
Classification: Benign. Last evaluated: 2026-02-01. Review status: criteria provided, single submitter. Criteria: Invitae Variant Classification Sherloc (09022015). Collection method: clinical testing. Allele origin: germline.

Blueprint Genetics
Classification: Likely benign. Last evaluated: 2024-07-18. Review status: criteria provided, single submitter. Criteria: ACMG Guidelines, 2015. Collection method: clinical testing. Allele origin: germline.

Illumina Laboratory Services, Illumina
Classification: Benign for Nystagmus 1, congenital, X-linked. Last evaluated: 2018-01-12. Review status: criteria provided, single submitter. Criteria: ICSL Variant Classification Criteria 13 December 2019. Collection method: clinical testing. Allele origin: germline.
Comment: This variant was observed in the ICSL laboratory as part of a predisposition screen in an ostensibly healthy population. It had not been previously curated by ICSL or reported in the Human Gene Mutation Database (HGMD: prior to June 1st, 2018), and was therefore a candidate for classification through an automated scoring system. Utilizing variant allele frequency, disease prevalence and penetrance estimates, and inheritance mode, an automated score was calculated to assess if this variant is too frequent to cause the disease. Based on the score and internal cut-off values, a variant classified as benign is not then subjected to further curation. The score for this variant resulted in a classification of benign for this disease.

Breakthrough Genomics
Classification: Benign. Review status: criteria provided, single submitter. Criteria: ACMG Guidelines, 2015. Collection method: not provided. Allele origin: germline. Inheritance: X-linked inheritance. Affected: yes.